The following is an entry in ClinVar:

NM_003242.6(TGFBR2):c.1680C>G (p.Asp560Glu)

Gene: TGFBR2 (transforming growth factor beta receptor 2; plus strand). Cytogenetic location: 3p24.1.
Variant type: single nucleotide variant.
Coding change: c.1680C>G on transcript NM_003242.6 (MANE Select); coding-DNA position 1680, C replaced by G.
Protein change: p.Asp560Glu; replaces aspartic acid 560 with glutamic acid.
Molecular consequence: missense variant.
Genome position (GRCh38, 1-based): chr3:30,691,575, C>G. VCF-style: chr3-30691575-C-G. GRCh37 (hg19) VCF-style: chr3-30733067-C-G.
Other names: c.1575C>G, p.Asp525Glu (NM_001407134.1, NM_001407135.1, NM_001407136.1 and 2 more transcripts); c.1395C>G, p.Asp465Glu (NM_001407137.1); c.1320C>G, p.Asp440Glu (NM_001407138.1); c.810C>G, p.Asp270Glu (NM_001407139.1); c.1755C>G, p.Asp585Glu (NM_001024847.3); c.1863C>G, p.Asp621Glu (NM_001407126.1); c.1788C>G, p.Asp596Glu (NM_001407127.1); c.1707C>G, p.Asp569Glu (NM_001407128.1); and 2 more; short protein forms D560E, D585E, D561E, D270E, D440E, D465E, D569E, D596E.
Identifiers: ClinVar variation 177885 (VCV000177885.21), dbSNP rs376815143, ClinGen allele CA020750.
Genomic context (GRCh38, chr3:30,691,575, plus strand): 5'-GCTGGAGCATCTGGACAGGCTCTCGGGGAGGAGCTGCTCGGAGGAGAAGATTCCTGAAGA[C>G]GGCTCCCTAAACACTACCAAATAGCTCTTCTGGGGCAGGCTGGGCCATGTCCAAAGAGGC-3'
Protein context (NP_003233.4, residues 550-567): RSCSEEKIPE[Asp560Glu]GSLNTTK

ClinVar aggregate classification (germline): Uncertain significance. Review status: criteria provided, multiple submitters, no conflicts (2 of 4 stars). 6 submissions from 6 submitters: Uncertain significance (6). Last evaluated 2025-12-11.

Conditions:
Familial thoracic aortic aneurysm and aortic dissection (TAAD). Also called: Thoracic aortic aneurysms and dissections. Identifiers: Orphanet 91387, MedGen C4707243, MONDO:0019625.
Loeys-Dietz syndrome 2 (LDS2). Also called: TGFBR2-Related Loeys-Dietz Syndrome; AORTIC ANEURYSM, FAMILIAL THORACIC 3; MARFAN SYNDROME, TYPE II; Marfan Syndrome type 2; Marfan like connective tissue disorder; MFS 2. Identifiers: Orphanet 284973, Orphanet 558, MedGen C2674574, MONDO:0012427, OMIM 610168.

Allele frequency attached by ClinVar (database versions not stated): TOPMed 0.00001.
gnomAD v4.1: 8 of 1,613,958 alleles (0.0005%); highest among the groups gnomAD compares: Non-Finnish European, 0.00068%; no homozygotes.

Submissions (6):

Color Diagnostics, LLC DBA Color Health
Classification: Uncertain significance for Familial thoracic aortic aneurysm and aortic dissection. Last evaluated: 2025-12-11. Review status: criteria provided, single submitter. Criteria: ACMG Guidelines, 2015. Collection method: clinical testing. Allele origin: germline.
Comment: This missense variant replaces aspartic acid with glutamic acid at codon 560 of the TGFBR2 protein. Computational prediction suggests that this variant may not impact protein structure and function. To our knowledge, functional studies have not been reported for this variant. This variant has been reported in an individual affected with Marfan syndrome (PMID: 24793577). This variant has been identified in 8/1613958 chromosomes in the general population by the Genome Aggregation Database (gnomAD). The available evidence is insufficient to determine the role of this variant in disease conclusively. Therefore, this variant is classified as a Variant of Uncertain Significance.

GeneDx
Classification: Uncertain significance. Last evaluated: 2025-11-26. Review status: criteria provided, single submitter. Criteria: GeneDx Variant Classification Process June 2021. Collection method: clinical testing. Allele origin: germline. Affected: yes.
Comment: Reported as a variant of uncertain significance in an individual with a Marfan syndrome-like phenotype (PMID: 24793577); Not observed at significant frequency in large population cohorts (gnomAD); In silico analysis suggests that this missense variant does not alter protein structure/function; This variant is associated with the following publications: (PMID: 24793577)

Ambry Genetics
Classification: Uncertain significance for Familial thoracic aortic aneurysm and aortic dissection. Last evaluated: 2025-08-28. Review status: criteria provided, single submitter. Criteria: Ambry Variant Classification Scheme 2023. Collection method: clinical testing. Allele origin: germline.
Comment: The p.D560E variant (also known as c.1680C>G), located in coding exon 7 of the TGFBR2 gene, results from a C to G substitution at nucleotide position 1680. The aspartic acid at codon 560 is replaced by glutamic acid, an amino acid with highly similar properties. This variant was reported in an individual suspected of having Marfan syndrome who did not meet Ghent criteria; however, clinical details were limited (Lerner-Ellis JP et al. Mol. Genet. Metab., 2014 Jun;112:171-6). This amino acid position is highly conserved in available vertebrate species. In addition, this alteration is predicted to be tolerated by in silico analysis. Based on the available evidence, the clinical significance of this variant remains unclear.

All of Us Research Program, National Institutes of Health
Classification: Uncertain significance for Loeys-Dietz syndrome 2. Last evaluated: 2023-09-17. Review status: criteria provided, single submitter. Criteria: ACMG Guidelines, 2015. Collection method: clinical testing. Allele origin: germline. Inheritance: Autosomal dominant inheritance. Observed: 2 variant alleles, 2 heterozygotes.
Comment: This missense variant replaces aspartic acid with glutamic acid at codon 585 of the TGFBR2 protein. Computational prediction tools and conservation analyses suggest that this variant may not impact protein structure and function. Splice site prediction tools suggest that this variant may not impact RNA splicing. To our knowledge, functional studies have not been performed for this variant. This variant has not been reported in individuals affected with cardiovascular disorders in the literature. This variant has not been identified in the general population by the Genome Aggregation Database (gnomAD). The available evidence is insufficient to determine the role of this variant in disease conclusively. Therefore, this variant is classified as a Variant of Uncertain Significance.

This study involves interpretation of variants in research participants for the purpose of population health screening. Participant phenotype was not available at the time of variant classification. Additional details can be found in publication PMID: 35346344, PMCID: PMC8962531

Labcorp Genetics (formerly Invitae), Labcorp
Classification: Uncertain significance for Familial thoracic aortic aneurysm and aortic dissection. Last evaluated: 2023-05-28. Review status: criteria provided, single submitter. Criteria: Invitae Variant Classification Sherloc (09022015). Collection method: clinical testing. Allele origin: germline.
Comment: In summary, the available evidence is currently insufficient to determine the role of this variant in disease. Therefore, it has been classified as a Variant of Uncertain Significance. Advanced modeling of protein sequence and biophysical properties (such as structural, functional, and spatial information, amino acid conservation, physicochemical variation, residue mobility, and thermodynamic stability) performed at Invitae indicates that this missense variant is not expected to disrupt TGFBR2 protein function. ClinVar contains an entry for this variant (Variation ID: 177885). This missense change has been observed in individual(s) with Marfan syndrome (PMID: 24793577). This variant is not present in population databases (gnomAD no frequency). This sequence change replaces aspartic acid, which is acidic and polar, with glutamic acid, which is acidic and polar, at codon 560 of the TGFBR2 protein (p.Asp560Glu).

Laboratory for Molecular Medicine, Mass General Brigham Personalized Medicine
Classification: Uncertain significance. Last evaluated: 2011-11-02. Review status: criteria provided, single submitter. Criteria: LMM Criteria. Collection method: clinical testing. Allele origin: germline. Observed: 2 variant alleles.

Literature cited by the submitters: PubMed 24793577 (cited by 3 submitters).